The following is an entry in ClinVar:

NM_133642.5(LARGE1):c.265C>T (p.Arg89Ter)

Gene: LARGE1 (LARGE xylosyl- and glucuronyltransferase 1; minus strand). Cytogenetic location: 22q12.3.
Variant type: single nucleotide variant.
Coding change: c.265C>T on transcript NM_133642.5 (MANE Select); coding-DNA position 265, C replaced by T.
Protein change: p.Arg89Ter; replaces arginine 89 with a stop codon.
Molecular consequence: nonsense.
Genome position (GRCh38, 1-based): chr22:33,650,510, G>A on the plus strand (C>T on the coding strand, the complement: LARGE1 is on the minus strand). VCF-style: chr22-33650510-G-A. GRCh37 (hg19) VCF-style: chr22-34046496-G-A.
Other names: c.265C>T, p.Arg89Ter (NM_001362949.2, NM_001362951.2, NM_001362953.2 and 7 more transcripts); short protein forms R89*.
Identifiers: ClinVar variation 1454275 (VCV001454275.8), dbSNP rs1359437833, ClinGen allele CA411546298.

ClinVar aggregate classification (germline): Pathogenic (1 of 4 stars; one submission).

Conditions:
Muscular dystrophy-dystroglycanopathy type B6 (MDDGB6). Also called: MUSCULAR DYSTROPHY-DYSTROGLYCANOPATHY (CONGENITAL WITH IMPAIRED INTELLECTUAL DEVELOPMENT), TYPE B, 6; MUSCULAR DYSTROPHY, CONGENITAL, LARGE-RELATED; MUSCULAR DYSTROPHY, CONGENITAL, TYPE 1D. Identifiers: MedGen C1837229, MONDO:0012138, OMIM 608840.

gnomAD v4.1: 4 of 1,613,066 alleles (0.00025%); highest among the groups gnomAD compares: Admixed American, 0.0033%; no homozygotes.

Submission:

Labcorp Genetics (formerly Invitae), Labcorp
Classification: Pathogenic for Muscular dystrophy-dystroglycanopathy type B6. Last evaluated: 2023-08-23. Review status: criteria provided, single submitter. Criteria: Invitae Variant Classification Sherloc (09022015). Collection method: clinical testing. Allele origin: germline.
Comment: For these reasons, this variant has been classified as Pathogenic. ClinVar contains an entry for this variant (Variation ID: 1454275). This variant has not been reported in the literature in individuals affected with LARGE1-related conditions. This variant is present in population databases (no rsID available, gnomAD 0.003%). This sequence change creates a premature translational stop signal (p.Arg89*) in the LARGE1 gene. It is expected to result in an absent or disrupted protein product. Loss-of-function variants in LARGE1 are known to be pathogenic (PMID: 12966029, 17878207).

Literature cited by the submitters: PubMed 12966029; PubMed 17878207.